The following is an entry in ClinVar:

NM_001375.3(DNASE2):c.223G>T (p.Val75Leu)

Genes: DNASE2 (deoxyribonuclease 2, lysosomal; minus strand), LOC117125588 (CRISPRi-FlowFISH-validated KLF1 regulatory element 1; plus strand). Cytogenetic location: 19p13.13.
Variant type: single nucleotide variant.
Coding change: c.223G>T on transcript NM_001375.3 (MANE Select); coding-DNA position 223, G replaced by T.
Protein change: p.Val75Leu; replaces valine 75 with leucine.
Molecular consequence: missense variant.
Genome position (GRCh38, 1-based): chr19:12,881,016, C>A on the plus strand (G>T on the coding strand, the complement: DNASE2 is on the minus strand). VCF-style: chr19-12881016-C-A. GRCh37 (hg19) VCF-style: chr19-12991830-C-A.
Other names: short protein forms V75L.
Identifiers: ClinVar variation 3697357 (VCV003697357.1).

ClinVar aggregate classification (germline): Uncertain significance (1 of 4 stars; one submission).

gnomAD v4.1: 97 of 1,613,862 alleles (0.006%); highest among the groups gnomAD compares: South Asian, 0.1%; no homozygotes.

Submission:

Labcorp Genetics (formerly Invitae), Labcorp
Classification: Uncertain significance. Last evaluated: 2024-10-02. Review status: criteria provided, single submitter. Criteria: Invitae Variant Classification Sherloc (09022015). Collection method: clinical testing. Allele origin: germline.
Comment: This sequence change replaces valine, which is neutral and non-polar, with leucine, which is neutral and non-polar, at codon 75 of the DNASE2 protein (p.Val75Leu). This variant is present in population databases (rs765064528, gnomAD 0.2%). This variant has not been reported in the literature in individuals affected with DNASE2-related conditions. An algorithm developed to predict the effect of missense changes on protein structure and function outputs the following: PolyPhen-2: "Benign". The leucine amino acid residue is found in multiple mammalian species, which suggests that this missense change does not adversely affect protein function. In summary, the available evidence is currently insufficient to determine the role of this variant in disease. Therefore, it has been classified as a Variant of Uncertain Significance.